The following is an entry in ClinVar:

ClinVar aggregate classification (germline): Benign/Likely benign. Review status: criteria provided, multiple submitters, no conflicts (2 of 4 stars). 5 submissions from 5 submitters: Benign (1); Likely benign (3). 1 of the submissions does not count toward it. Last evaluated 2026-01-04.

Conditions:
Short-rib thoracic dysplasia 10 with or without polydactyly (SRTD10). Identifiers: Orphanet 474, MedGen C3810175, MONDO:0014284, OMIM 615630.
Retinitis pigmentosa 71 (RP71). Identifiers: Orphanet 791, MedGen C4225342, MONDO:0014618, OMIM 616394.
IFT172-related disorder. Also called: IFT172-related condition; IFT172-related disorders.

Allele frequency attached by ClinVar (database versions not stated): 1000 Genomes Project 0.00020; 1000 Genomes Project 30x 0.00031; TOPMed 0.00037; ExAC 0.00071; gnomAD exomes 0.00083.
gnomAD v4.1: 254 of 1,610,094 alleles (0.016%); highest among the groups gnomAD compares: Admixed American, 0.4%; 1 homozygote.

Submissions (5):

Labcorp Genetics (formerly Invitae), Labcorp
Classification: Benign for Retinitis pigmentosa 71; Short-rib thoracic dysplasia 10 with or without polydactyly. Last evaluated: 2026-01-04. Review status: criteria provided, single submitter. Criteria: Invitae Variant Classification Sherloc (09022015). Collection method: clinical testing. Allele origin: germline.

Blueprint Genetics
Classification: Likely benign. Last evaluated: 2024-10-10. Review status: criteria provided, single submitter. Criteria: ACMG Guidelines, 2015. Collection method: clinical testing. Allele origin: germline.

GeneDx
Classification: Likely benign. Last evaluated: 2021-02-15. Review status: criteria provided, single submitter. Criteria: GeneDx Variant Classification Process June 2021. Collection method: clinical testing. Allele origin: germline. Affected: yes.

Genetic Services Laboratory, University of Chicago
Classification: Likely benign. Last evaluated: 2017-11-15. Review status: criteria provided, single submitter. Criteria: ACMG Guidelines, 2015. Collection method: clinical testing. Allele origin: germline. Affected: no.

PreventionGenetics, part of Exact Sciences
Classification: Likely benign for IFT172-related condition. Last evaluated: 2019-05-21. Review status: no assertion criteria provided. Collection method: clinical testing. Allele origin: germline. Not counted in ClinVar's aggregate classification.
Comment: This variant is classified as likely benign based on ACMG/AMP sequence variant interpretation guidelines (Richards et al. 2015 PMID: 25741868, with internal and published modifications).

NM_015662.3(IFT172):c.402+8A>C

Gene: IFT172 (intraflagellar transport 172; minus strand). Cytogenetic location: 2p23.3.
Variant type: single nucleotide variant.
Coding change: c.402+8A>C on transcript NM_015662.3 (MANE Select); 8 bases into the intron after coding-DNA position 402, A replaced by C.
Molecular consequence: intron variant.
Genome position (GRCh38, 1-based): chr2:27,483,864, T>G on the plus strand (A>C on the coding strand, the complement: IFT172 is on the minus strand). VCF-style: chr2-27483864-T-G. GRCh37 (hg19) VCF-style: chr2-27706731-T-G.
Identifiers: ClinVar variation 707705 (VCV000707705.19), dbSNP rs184565714, ClinGen allele CA1580997.